The following is an entry in ClinVar:

NM_001127178.3(PIGG):c.2677G>A (p.Ala893Thr)

Gene: PIGG (phosphatidylinositol glycan anchor biosynthesis class G (EMM blood group); plus strand). Cytogenetic location: 4p16.3.
Variant type: single nucleotide variant.
Coding change: c.2677G>A on transcript NM_001127178.3 (MANE Select); coding-DNA position 2677, G replaced by A.
Protein change: p.Ala893Thr; replaces alanine 893 with threonine.
Molecular consequence: missense variant. On other transcripts: non-coding transcript variant (10).
Genome position (GRCh38, 1-based): chr4:533,923, G>A. VCF-style: chr4-533923-G-A. GRCh37 (hg19) VCF-style: chr4-527712-G-A.
Other names: c.2410G>A, p.Ala804Thr (NM_001289051.2, NM_001345986.2); c.2278G>A, p.Ala760Thr (NM_001289052.2); c.2386G>A, p.Ala796Thr (NM_001345987.2); c.1648G>A, p.Ala550Thr (NM_001345988.2); c.1144G>A, p.Ala382Thr (NM_001345990.2, NM_001345991.2); c.1579G>A, p.Ala527Thr (NM_001345994.2); c.2653G>A, p.Ala885Thr (NM_017733.5); short protein forms A550T, A760T, A893T, A382T, A885T, A796T, A527T, A804T.
Identifiers: ClinVar variation 2401237 (VCV002401237.3), dbSNP rs375719259, ClinGen allele CA2793716.
Genomic context (GRCh38, chr4:533,923, plus strand): 5'-GTGGGCTTAGACACCTACGTGGAAATCCCAGCCGTGCTCCTGACAGCGTTTGGGACGTAC[G>A]CAGGGCCTGTGCTGTGGGCCAGCCACTTAGTGCACTTCCTGAGCTCAGAAACACGCAGGT-3'
Protein context (NP_001120650.1, residues 883-903): AVLLTAFGTY[Ala893Thr]GPVLWASHLV

ClinVar aggregate classification (germline): Uncertain significance. Review status: criteria provided, multiple submitters, no conflicts (2 of 4 stars). 2 submissions from 2 submitters: Uncertain significance (2). Last evaluated 2023-03-19.

Conditions:
Inborn genetic diseases. Identifiers: MedGen C0950123, MeSH D030342.
Intellectual disability, autosomal recessive 53 (NEDHSCA). Also called: GLYCOSYLPHOSPHATIDYLINOSITOL BIOSYNTHESIS DEFECT 13; Mental retardation, autosomal recessive 53; NEURODEVELOPMENTAL DISORDER WITH OR WITHOUT HYPOTONIA, SEIZURES, AND CEREBELLAR ATROPHY. Identifiers: Orphanet 488635, MedGen C4310794, MONDO:0014832, OMIM 616917.

Allele frequency attached by ClinVar (database versions not stated): ExAC 0.00001; gnomAD 0.00001; TOPMed 0.00002; ESP Exome Variant Server 0.00008.
gnomAD v4.1: 28 of 1,614,030 alleles (0.0017%); highest among the groups gnomAD compares: Admixed American, 0.005%; no homozygotes.

Submissions (2):

Labcorp Genetics (formerly Invitae), Labcorp
Classification: Uncertain significance for Intellectual disability, autosomal recessive 53. Last evaluated: 2023-03-19. Review status: criteria provided, single submitter. Criteria: Invitae Variant Classification Sherloc (09022015). Collection method: clinical testing. Allele origin: germline.
Comment: This variant has not been reported in the literature in individuals affected with PIGG-related conditions. In summary, the available evidence is currently insufficient to determine the role of this variant in disease. Therefore, it has been classified as a Variant of Uncertain Significance. Advanced modeling of protein sequence and biophysical properties (such as structural, functional, and spatial information, amino acid conservation, physicochemical variation, residue mobility, and thermodynamic stability) performed at Invitae indicates that this missense variant is not expected to disrupt PIGG protein function. ClinVar contains an entry for this variant (Variation ID: 2401237). This variant is present in population databases (rs375719259, gnomAD 0.006%). This sequence change replaces alanine, which is neutral and non-polar, with threonine, which is neutral and polar, at codon 893 of the PIGG protein (p.Ala893Thr).

Ambry Genetics
Classification: Uncertain significance for Inborn genetic diseases. Last evaluated: 2022-07-12. Review status: criteria provided, single submitter. Criteria: Ambry Variant Classification Scheme 2023. Collection method: clinical testing. Allele origin: germline.